The following is an entry in ClinVar:

NM_000182.5(HADHA):c.1959T>C (p.Asp653=)

Genes: GAREM2 (GRB2 associated regulator of MAPK1 subtype 2; plus strand), HADHA (hydroxyacyl-CoA dehydrogenase trifunctional multienzyme complex subunit alpha; minus strand). Cytogenetic location: 2p23.3.
Variant type: single nucleotide variant.
Coding change: c.1959T>C on transcript NM_000182.5 (MANE Select); coding-DNA position 1959, T replaced by C.
Protein change: p.Asp653=; no amino-acid change (aspartic acid 653 retained).
Molecular consequence: synonymous variant.
Genome position (GRCh38, 1-based): chr2:26,192,351, A>G on the plus strand (T>C on the coding strand, the complement: HADHA is on the minus strand). VCF-style: chr2-26192351-A-G. GRCh37 (hg19) VCF-style: chr2-26415220-A-G.
Identifiers: ClinVar variation 4875273 (VCV004875273.2).

ClinVar aggregate classification (germline): Likely benign (1 of 4 stars; one submission).

Submission:

CeGaT Center for Human Genetics Tuebingen
Classification: Likely benign. Last evaluated: 2026-06-01. Review status: criteria provided, single submitter. Criteria: CeGaT Center For Human Genetics Tuebingen Variant Classification Criteria Version 2. Collection method: clinical testing. Allele origin: germline. Affected: yes. Observed: 1 variant allele.
Comment: HADHA: PM2:Supporting, BP4, BP7